The following is an entry in ClinVar:

ClinVar aggregate classification (germline): Conflicting classifications of pathogenicity. Review status: criteria provided, conflicting classifications (1 of 4 stars). 4 submissions from 4 submitters: Uncertain significance (3); Likely benign (1). Last evaluated 2025-08-25.

Conditions:
Hereditary cancer-predisposing syndrome. Also called: Hereditary neoplastic syndrome; Neoplastic Syndromes, Hereditary; Hereditary Cancer Syndrome; Tumor predisposition. Identifiers: Orphanet 140162, MedGen C0027672, MeSH D009386, MONDO:0015356.
Tuberous sclerosis 1 (TSC1). Identifiers: Orphanet 805, MedGen C1854465, MONDO:0008612, OMIM 191100.
Tuberous sclerosis syndrome (TSC). Also called: Tuberous sclerosis; Tuberous Sclerosis Complex. Identifiers: Orphanet 805, MedGen C0041341, MONDO:0001734.

Allele frequency attached by ClinVar (database versions not stated): gnomAD exomes below 0.00001; TOPMed below 0.00001.
gnomAD v4.1: 3 of 1,614,226 alleles (0.00019%); highest among the groups gnomAD compares: Non-Finnish European, 0.00025%; no homozygotes.

Submissions (4):

Color Diagnostics, LLC DBA Color Health
Classification: Uncertain significance for Tuberous sclerosis syndrome. Last evaluated: 2025-08-25. Review status: criteria provided, single submitter. Criteria: ACMG Guidelines, 2015. Collection method: clinical testing. Allele origin: germline.
Comment: This missense variant replaces alanine with valine at codon 1072 of the TSC1 protein. Computational prediction suggests that this variant may not impact protein structure and function. To our knowledge, functional studies have not been reported for this variant. This variant has not been reported in individuals affected with TSC1-related disorders in the literature. This variant has been identified in 1/251414 chromosomes in the general population by the Genome Aggregation Database (gnomAD). The available evidence is insufficient to determine the role of this variant in disease conclusively. Therefore, this variant is classified as a Variant of Uncertain Significance.

Labcorp Genetics (formerly Invitae), Labcorp
Classification: Likely benign for Tuberous sclerosis 1. Last evaluated: 2025-08-10. Review status: criteria provided, single submitter. Criteria: Invitae Variant Classification Sherloc (09022015). Collection method: clinical testing. Allele origin: germline.

Ambry Genetics
Classification: Uncertain significance for Hereditary cancer-predisposing syndrome. Last evaluated: 2025-06-20. Review status: criteria provided, single submitter. Criteria: Ambry Variant Classification Scheme 2023. Collection method: clinical testing. Allele origin: germline.
Comment: The p.A1072V variant (also known as c.3215C>T), located in coding exon 21 of the TSC1 gene, results from a C to T substitution at nucleotide position 3215. The alanine at codon 1072 is replaced by valine, an amino acid with similar properties. This amino acid position is conserved. In addition, this alteration is predicted to be tolerated by in silico analysis. Since supporting evidence is limited at this time, the clinical significance of this alteration remains unclear.

All of Us Research Program, National Institutes of Health
Classification: Uncertain significance for Tuberous sclerosis syndrome. Last evaluated: 2023-05-31. Review status: criteria provided, single submitter. Criteria: ACMG Guidelines, 2015. Collection method: clinical testing. Allele origin: germline. Inheritance: Autosomal dominant inheritance. Observed: 1 variant allele, 1 heterozygote.
Comment: This study involves interpretation of variants in research participants for the purpose of population health screening. Participant phenotype was not available at the time of variant classification. Additional details can be found in publication PMID: 35346344, PMCID: PMC8962531

NM_000368.5(TSC1):c.3215C>T (p.Ala1072Val)

Gene: TSC1 (TSC complex subunit 1; minus strand). Cytogenetic location: 9q34.13.
Variant type: single nucleotide variant.
Coding change: c.3215C>T on transcript NM_000368.5 (MANE Select); coding-DNA position 3215, C replaced by T.
Protein change: p.Ala1072Val; replaces alanine 1072 with valine.
Molecular consequence: missense variant.
Genome position (GRCh38, 1-based): chr9:132,896,515, G>A on the plus strand (C>T on the coding strand, the complement: TSC1 is on the minus strand). VCF-style: chr9-132896515-G-A. GRCh37 (hg19) VCF-style: chr9-135771902-G-A.
Other names: c.3212C>T, p.Ala1071Val (NM_001162426.2); c.3062C>T, p.Ala1021Val (NM_001162427.2); c.2852C>T, p.Ala951Val (NM_001362177.2); short protein forms A1072V, A1021V, A1071V, A951V.
Identifiers: ClinVar variation 569430 (VCV000569430.15), dbSNP rs779369226, ClinGen allele CA200925500.
Genomic context (GRCh38, chr9:132,896,515, plus strand): 5'-GCCTTCATACCCAGGAAGCTTTTTGAACTGGGAAGTGAGCCCACAGTGGTGGGGATGCTG[G>A]CAGACGCTTCTCCCATAGTCGTCTCCCACCGACTGCTGAATGGGCCTGCCCTCTGGTGTG-3'
Protein context (NP_000359.1, residues 1062-1082): RWETTMGEAS[Ala1072Val]SIPTTVGSLP